The following is an entry in ClinVar:

ClinVar aggregate classification (germline): Conflicting classifications of pathogenicity. Review status: criteria provided, conflicting classifications (1 of 4 stars). 12 submissions from 12 submitters: Uncertain significance (1); Benign (3); Likely benign (5). 3 of the submissions do not count toward it. Last evaluated 2026-02-04.

Conditions:
Inborn genetic diseases. Identifiers: MedGen C0950123, MeSH D030342.
Bardet-Biedl syndrome (BBS). Identifiers: Orphanet 110, MedGen C0752166, MONDO:0015229.
Bardet-Biedl syndrome 1 (BBS1). Identifiers: MedGen C2936862, MONDO:0008854, OMIM 209900. Disease mechanism: loss of function.

Allele frequency attached by ClinVar (database versions not stated): gnomAD exomes 0.00024; gnomAD 0.00285 and 0.00262; ESP Exome Variant Server 0.00308; 1000 Genomes Project 30x 0.00234; 1000 Genomes Project 0.00240; TOPMed 0.00289.
gnomAD v4.1: 759 of 1,614,094 alleles (0.047%); highest among the groups gnomAD compares: African/African-American, 0.93%; 4 homozygotes.

Submissions (12):

Labcorp Genetics (formerly Invitae), Labcorp
Classification: Benign for Bardet-Biedl syndrome. Last evaluated: 2026-02-04. Review status: criteria provided, single submitter. Criteria: Invitae Variant Classification Sherloc (09022015). Collection method: clinical testing. Allele origin: germline.

Mayo Clinic Laboratories, Mayo Clinic
Classification: Likely benign. Last evaluated: 2025-09-18. Review status: criteria provided, single submitter. Criteria: ACMG Guidelines, 2015. Collection method: clinical testing. Allele origin: germline. Observed: 1 variant allele.
Comment: BS1, BP7

CeGaT Center for Human Genetics Tuebingen
Classification: Likely benign. Last evaluated: 2025-06-01. Review status: criteria provided, single submitter. Criteria: CeGaT Center For Human Genetics Tuebingen Variant Classification Criteria Version 2. Collection method: clinical testing. Allele origin: germline. Affected: yes. Observed: 2 variant alleles.
Comment: BBS1: BP4, BS2

Blueprint Genetics
Classification: Likely benign. Last evaluated: 2024-09-02. Review status: criteria provided, single submitter. Criteria: ACMG Guidelines, 2015. Collection method: clinical testing. Allele origin: germline.

Ambry Genetics
Classification: Likely benign for Inborn genetic diseases. Last evaluated: 2022-11-02. Review status: criteria provided, single submitter. Criteria: Ambry Variant Classification Scheme 2023. Collection method: clinical testing. Allele origin: germline.

Illumina Laboratory Services, Illumina
Classification: Uncertain significance for Bardet-Biedl syndrome 1. Last evaluated: 2017-04-27. Review status: criteria provided, single submitter. Criteria: ICSL Variant Classification Criteria 13 December 2019. Collection method: clinical testing. Allele origin: germline.

Genetic Services Laboratory, University of Chicago
Classification: Likely benign. Last evaluated: 2016-06-27. Review status: criteria provided, single submitter. Criteria: ACMG Guidelines, 2015. Collection method: clinical testing. Allele origin: germline. Affected: no.

Eurofins Ntd Llc (ga)
Classification: Benign. Last evaluated: 2013-08-14. Review status: criteria provided, single submitter. Criteria: EGL Classification Definitions 2015. Collection method: clinical testing. Allele origin: germline. Observed: 1 variant allele, 1 heterozygote.

PreventionGenetics, part of Exact Sciences
Classification: Benign. Review status: criteria provided, single submitter. Criteria: ACMG Guidelines, 2015. Collection method: clinical testing. Allele origin: germline.

Natera, Inc.
Classification: Benign for Bardet-Biedl syndrome type 1. Last evaluated: 2020-09-16. Review status: no assertion criteria provided. Collection method: clinical testing. Allele origin: germline. Not counted in ClinVar's aggregate classification.

Clinical Genetics DNA and cytogenetics Diagnostics Lab, Erasmus MC, Erasmus Medical Center
Classification: Likely benign. Review status: no assertion criteria provided. Collection method: clinical testing. Allele origin: germline. Affected: yes. Study: VKGL Data-share Consensus. Not counted in ClinVar's aggregate classification.

Laboratory of Diagnostic Genome Analysis, Leiden University Medical Center (LUMC)
Classification: Likely benign. Review status: no assertion criteria provided. Collection method: clinical testing. Allele origin: germline. Affected: yes. Study: VKGL Data-share Consensus. Not counted in ClinVar's aggregate classification.

NM_024649.5(BBS1):c.831-5C>T

Genes: BBS1 (Bardet-Biedl syndrome 1; plus strand), ZDHHC24 (zDHHC palmitoyltransferase 24; minus strand). Cytogenetic location: 11q13.2.
Variant type: single nucleotide variant.
Coding change: c.831-5C>T on transcript NM_024649.5 (MANE Select); 5 bases into the intron before coding-DNA position 831, C replaced by T.
Molecular consequence: intron variant.
Genome position (GRCh38, 1-based): chr11:66,523,451, C>T. VCF-style: chr11-66523451-C-T. GRCh37 (hg19) VCF-style: chr11-66290922-C-T.
Other names: p.?; c.*22-1985G>A (NM_001348571.2).
Identifiers: ClinVar variation 96132 (VCV000096132.42), dbSNP rs56177555, ClinGen allele CA149269.